The following is an entry in ClinVar:

NM_001018115.3(FANCD2):c.1665dup (p.His556fs)

Genes: FANCD2 (FA complementation group D2; plus strand), LOC107303338 (3p25 FANCD2 Alu-mediated recombination region; plus strand). Cytogenetic location: 3p25.3.
Variant type: Duplication.
Coding change: c.1665dup on transcript NM_001018115.3 (MANE Select); coding-DNA position 1665, one base duplicated (G; older notation c.1665dupG).
Protein change: p.His556fs; shifts the reading frame from histidine 556.
Molecular consequence: frameshift variant.
Genome position (GRCh38, 1-based): chr3:10,060,302, G duplicated. VCF-style (leftmost placement, unchanged base first): chr3-10060301-T-TG. GRCh37 (hg19) VCF-style: chr3-10101985-T-TG.
Other names: c.1665dup, p.His556fs (NM_001319984.2, NM_001374254.1, NM_033084.6); c.1554dup, p.His519fs (NM_001374253.1); c.1665dupG (NM_001018115.1); short protein forms H519fs, H556fs.
Identifiers: ClinVar variation 3377051 (VCV003377051.1).

ClinVar aggregate classification (germline): Pathogenic (1 of 4 stars; one submission).

Conditions:
Fanconi anemia complementation group D2. Also called: FANCD2-Related Fanconi Anemia; FANCONI PANCYTOPENIA, TYPE 4; FANCONI ANEMIA, COMPLEMENTATION GROUP D. Identifiers: Orphanet 84, MedGen C3160738, MONDO:0009214, OMIM 227646.

Submission:

Victorian Clinical Genetics Services, Murdoch Childrens Research Institute
Classification: Pathogenic for Fanconi anemia complementation group D2. Last evaluated: 2024-10-09. Review status: criteria provided, single submitter. Criteria: ACMG Guidelines, 2015. Collection method: clinical testing. Allele origin: germline. Inheritance: Autosomal recessive inheritance. Affected: yes.
Comment: Based on the classification scheme VCGS_Germline_v1.3.4, this variant is classified as Pathogenic. Following criteria are met: 0102 - Loss of function is a known mechanism of disease in this gene and is associated with Fanconi anaemia, complementation group D2 (MIM#227646). (I) 0106 - This gene is associated with autosomal recessive disease. (I) 0201 - Variant is predicted to cause nonsense-mediated decay (NMD) and loss of protein (premature termination codon is located at least 54 nucleotides upstream of the final exon-exon junction). (SP) 0251 - This variant is heterozygous. (I) 0301 - Variant is absent from gnomAD (both v2 and v3). (SP) 0701 - Other NMD-predicted variants comparable to the one identified in this case have very strong previous evidence for pathogenicity (DECIPHER). (SP) 0807 - This variant has no previous evidence of pathogenicity. (I) 0905 - No published segregation evidence has been identified for this variant. (I) 1007 - No published functional evidence has been identified for this variant. (I) Legend: (SP) - Supporting pathogenic, (I) - Information, (SB) - Supporting benign